The following is an entry in ClinVar:

NM_001114753.3(ENG):c.155G>A (p.Gly52Asp)

Gene: ENG (endoglin; minus strand). Cytogenetic location: 9q34.11.
Variant type: single nucleotide variant.
Coding change: c.155G>A on transcript NM_001114753.3 (MANE Select); coding-DNA position 155, G replaced by A.
Protein change: p.Gly52Asp; replaces glycine 52 with aspartic acid.
Molecular consequence: missense variant. On other transcripts: 5 prime UTR variant (1).
Genome position (GRCh38, 1-based): chr9:127,843,158, C>T on the plus strand (G>A on the coding strand, the complement: ENG is on the minus strand). VCF-style: chr9-127843158-C-T. GRCh37 (hg19) VCF-style: chr9-130605437-C-T.
Other names: c.155G>A, p.Gly52Asp (NM_000118.4, NM_001406715.1); c.-392G>A (NM_001278138.2); c.155G>A (NM_000118.2); short protein forms G52D.
Identifiers: ClinVar variation 618085 (VCV000618085.16), dbSNP rs1564462765, ClinGen allele CA374989033.
Genomic context (GRCh38, chr9:127,843,158, plus strand): 5'-GGGAACTCCAGGAAGAGGACATGGACTTCAAGGATGGCATTGGGGGCCTGAGCCACGCAG[C>T]CCTTCGAGACCTGGCTAGTGGTATATGTCACCTCGCCCCTCTCGGGGCCCACAGGCTGAA-3'
Protein context (NP_001108225.1, residues 42-62): VTYTTSQVSK[Gly52Asp]CVAQAPNAIL

ClinVar aggregate classification (germline): Pathogenic/Likely pathogenic. Review status: criteria provided, multiple submitters, no conflicts (2 of 4 stars). 5 submissions from 5 submitters: Pathogenic (1); Likely pathogenic (4). Last evaluated 2024-07-26.

Conditions:
Hereditary hemorrhagic telangiectasia (HHT). Also called: ORW DISEASE; Osler Weber Rendu syndrome; OSLER-RENDU-WEBER DISEASE; Osler hemorrhagic telangiectasia syndrome. Identifiers: Orphanet 774, MedGen C0039445, MONDO:0019180. Disease mechanism: loss of function.
Cardiovascular phenotype. Identifiers: MedGen CN230736.
Telangiectasia, hereditary hemorrhagic, type 1 (HHT1). Also called: Osler Weber Rendu syndrome type 1; ENG-Related Hereditary Hemorrhagic Telangiectasia. Identifiers: Orphanet 774, MedGen C4551861, MONDO:0008535, OMIM 187300. Disease mechanism: loss of function.

Submissions (5):

GeneDx
Classification: Likely pathogenic. Last evaluated: 2024-07-26. Review status: criteria provided, single submitter. Criteria: GeneDx Variant Classification Process June 2021. Collection method: clinical testing. Allele origin: germline.
Comment: Not observed at significant frequency in large population cohorts (gnomAD); ENG was expressed as intracellular precursors in patient-derived HUVECs and resulted in 37% mature form compared to wild-type (PMID: 11440987); In silico analysis supports that this missense variant has a deleterious effect on protein structure/function; This variant is associated with the following publications: (PMID: 32573726, 15907823, 11440987)

Labcorp Genetics (formerly Invitae), Labcorp
Classification: Likely pathogenic for Hereditary hemorrhagic telangiectasia. Last evaluated: 2022-12-16. Review status: criteria provided, single submitter. Criteria: Invitae Variant Classification Sherloc (09022015). Collection method: clinical testing. Allele origin: germline.
Comment: This variant is not present in population databases (gnomAD no frequency). This missense change has been observed in individual(s) with clinical features of hereditary hemorrhagic telangiectasia (PMID: 11440987). ClinVar contains an entry for this variant (Variation ID: 618085). Advanced modeling of protein sequence and biophysical properties (such as structural, functional, and spatial information, amino acid conservation, physicochemical variation, residue mobility, and thermodynamic stability) performed at Invitae indicates that this missense variant is expected to disrupt ENG protein function. Studies have shown that this missense change alters ENG gene expression (PMID: 11440987). This variant disrupts the p.Gly52 amino acid residue in ENG. Other variant(s) that disrupt this residue have been determined to be pathogenic (PMID: 9554745, 15907823; Invitae). This suggests that this residue is clinically significant, and that variants that disrupt this residue are likely to be disease-causing. In summary, the currently available evidence indicates that the variant is pathogenic, but additional data are needed to prove that conclusively. Therefore, this variant has been classified as Likely Pathogenic. This sequence change replaces glycine, which is neutral and non-polar, with aspartic acid, which is acidic and polar, at codon 52 of the ENG protein (p.Gly52Asp).

NIHR Bioresource Rare Diseases, University of Cambridge
Classification: Likely pathogenic for Telangiectasia, hereditary hemorrhagic, type 1. Last evaluated: 2018-01-01. Review status: criteria provided, single submitter. Criteria: ACMG Guidelines, 2015. Collection method: research. Allele origin: unknown. Affected: yes. Observed: 1 variant allele.
Comment: PS3+PM2+PM1+PP4+PP5

ARUP Laboratories, Molecular Genetics and Genomics, ARUP Laboratories
Classification: Pathogenic. Last evaluated: 2017-07-09. Review status: criteria provided, single submitter. Criteria: ARUP Molecular Germline Variant Investigation Process. Collection method: clinical testing. Allele origin: germline.
Comment: The ENG c.155G>A; p.Gly52Asp variant has previously been reported in a newborn with a family history of hereditary hemorrhagic telangiectasia (HHT) symptoms (Paquet 2001), and the variant was shown to have reduced expression of fully processed endoglin. In addition, other variants at this codon (Gly52Val, Gly52Arg) have been reported in families with HHT (Gallione 1998, Pece-Barbara 1999, Wehner 2006). The p.Gly52Asp variant is absent from general population databases (Exome Variant Server, Genome Aggregation Database). The glycine at codon 52 is well conserved and computational algorithms (SIFT, PolyPhen2, MutationTaster) predict this variant to be damaging to the protein. Based on the above information, this variant is considered pathogenic. REFERENCES Gallione CJ et al. Mutation and expression analysis of the endoglin gene in hereditary hemorrhagic telangiectasia reveals null alleles. Hum Mutat. 1998;11(4):286-94. Paquet ME et al. Analysis of several endoglin mutants reveals no endogenous mature or secreted protein capable of interfering with normal endoglin function. Hum Mol Genet. 2001 Jun 15;10(13):1347-57. Pece-Barbara N et al. Expression analysis of four endoglin missense mutations suggests that haploinsufficiency is the predominant mechanism for hereditary hemorrhagic telangiectasia type 1. Hum Mol Genet. 1999 Nov;8(12):2171-81. Wehner LE et al. Mutation analysis in hereditary haemorrhagic telangiectasia in Germany reveals 11 novel ENG and 12 novel ACVRL1/ALK1 mutations. Clin Genet. 2006 Mar;69(3):239-45.

Ambry Genetics
Classification: Likely pathogenic for Cardiovascular phenotype. Last evaluated: 2014-12-12. Review status: criteria provided, single submitter. Criteria: Ambry Variant Classification Scheme 2023. Collection method: clinical testing. Allele origin: germline.
Comment: The p.G52D variant (also known as c.155G>A), located in coding exon 2 of the ENG gene, results from a G to A substitution at nucleotide position 155. The glycine at codon 52 is replaced by aspartic acid, an amino acid with similar properties. This variant was observed in two newborns in two hereditary hemorrhagic telangiectasia (HHT) families, including one family presenting with pulmonary arteriovenous malformations (Paquet ME et al. Hum. Mol. Genet., 2001 Jun;10:1347-57; Letarte M et al. Cardiovasc. Res., 2005 Oct;68:155-64). Functional studies in one family revealed that this variant resulted in the accumulation of endoglin precursor with reduced levels of the mature protein compared ot wildtype. However, it is unknown if the newborn in this study is clinically affected with HHT and the affected adult relatives from this kinship were not tested (Paquet ME et al. Hum. Mol. Genet., 2001 Jun;10:1347-57). This amino acid position is highly conserved in available vertebrate species. In addition, this alteration is predicted to be deleterious by in silico analysis. Based on the majority of available evidence to date, this variant is likely to be pathogenic.

Literature cited by the submitters: PubMed 11440987 (cited by Labcorp Genetics (formerly Invitae), Labcorp and Ambry Genetics); PubMed 9554745 (cited by Labcorp Genetics (formerly Invitae), Labcorp); PubMed 15907823 (cited by Labcorp Genetics (formerly Invitae), Labcorp and Ambry Genetics); PubMed 32573726 (cited by NIHR Bioresource Rare Diseases, University of Cambridge).